The following is an entry in ClinVar:

ClinVar aggregate classification (germline): Pathogenic (1 of 4 stars; one submission).

Conditions:
Autosomal recessive spinocerebellar ataxia 17. Identifiers: Orphanet 453521, MedGen C4015301, MONDO:0014503, OMIM 616127.

Submission:

Women's Health and Genetics/Laboratory Corporation of America, LabCorp
Classification: Pathogenic for Autosomal recessive spinocerebellar ataxia 17. Last evaluated: 2025-10-27. Review status: criteria provided, single submitter. Criteria: LabCorp Variant Classification Summary - May 2015. Collection method: clinical testing. Allele origin: germline.
Comment: Variant summary: CWF19L1 c.1372C>T (p.Gln458X) results in a premature termination codon, predicted to cause a truncation of the encoded protein or absence of the protein due to nonsense mediated decay, which are commonly known mechanisms for disease. Several computational tools predict a significant impact on normal splicing: Two predict the variant abolishes a 5' splicing donor site. One predict the variant weakens a 5' donor site. Three predict the variant creates a 5' donor site. However, these predictions have yet to be confirmed by functional studies. The variant allele was found at a frequency of 4.4e-06 in 228080 control chromosomes. To our knowledge, no occurrence of c.1372C>T in individuals affected with CWF19L1-related conditions and no experimental evidence demonstrating its impact on protein function have been reported. No submitters have cited clinical-significance assessments for this variant to ClinVar. Based on the evidence outlined above, the variant was classified as pathogenic.

NM_018294.6(CWF19L1):c.1372C>T (p.Gln458Ter)

Gene: CWF19L1 (CWF19 like cell cycle control factor 1; minus strand). Cytogenetic location: 10q24.31.
Variant type: single nucleotide variant.
Coding change: c.1372C>T on transcript NM_018294.6 (MANE Select); coding-DNA position 1372, C replaced by T.
Protein change: p.Gln458Ter; replaces glutamine 458 with a stop codon.
Molecular consequence: nonsense. On other transcripts: intron variant (1).
Genome position (GRCh38, 1-based): chr10:100,236,852, G>A on the plus strand (C>T on the coding strand, the complement: CWF19L1 is on the minus strand). VCF-style: chr10-100236852-G-A. GRCh37 (hg19) VCF-style: chr10-101996609-G-A.
Other names: c.961C>T, p.Gln321Ter (NM_001303405.2, NM_001303406.2); c.637C>T, p.Gln213Ter (NM_001303407.2); c.1255-1088C>T (NM_001303404.2); short protein forms Q213*, Q321*, Q458*.
Identifiers: ClinVar variation 4687749 (VCV004687749.1).